The following is an entry in ClinVar:

NM_000297.4(PKD2):c.2500G>A (p.Val834Ile)

Gene: PKD2 (polycystin 2, transient receptor potential cation channel; plus strand). Cytogenetic location: 4q22.1.
Variant type: single nucleotide variant.
Coding change: c.2500G>A on transcript NM_000297.4 (MANE Select); coding-DNA position 2500, G replaced by A.
Protein change: p.Val834Ile; replaces valine 834 with isoleucine.
Molecular consequence: missense variant. On other transcripts: non-coding transcript variant (1).
Genome position (GRCh38, 1-based): chr4:88,068,039, G>A. VCF-style: chr4-88068039-G-A. GRCh37 (hg19) VCF-style: chr4-88989191-G-A.
Other names: short protein forms V834I.
Identifiers: ClinVar variation 2580682 (VCV002580682.5), dbSNP rs148869484, ClinGen allele CA3004260.

ClinVar aggregate classification (germline): Uncertain significance. Review status: criteria provided, multiple submitters, no conflicts (2 of 4 stars). 3 submissions from 3 submitters: Uncertain significance (3). Last evaluated 2026-01-12.

Conditions:
Polycystic kidney disease 2 (PKD2). Also called: POLYCYSTIC KIDNEY DISEASE, ADULT, TYPE II; POLYCYSTIC KIDNEY DISEASE 2 WITH OR WITHOUT POLYCYSTIC LIVER DISEASE; Polycystic Kidney Disease 2, Autosomal Dominant. Identifiers: MedGen C2751306, MONDO:0013131, OMIM 613095.
Autosomal dominant polycystic kidney disease. Identifiers: Orphanet 730, MedGen C0085413, MONDO:0004691.

Allele frequency attached by ClinVar (database versions not stated): gnomAD 0.00001; TOPMed 0.00001; gnomAD exomes 0.00002; ExAC 0.00004; ESP Exome Variant Server 0.00015.
gnomAD v4.1: 29 of 1,613,994 alleles (0.0018%); highest among the groups gnomAD compares: African/African-American, 0.004%; no homozygotes.

Submissions (3):

Labcorp Genetics (formerly Invitae), Labcorp
Classification: Uncertain significance for Autosomal dominant polycystic kidney disease. Last evaluated: 2026-01-12. Review status: criteria provided, single submitter. Criteria: Invitae Variant Classification Sherloc (09022015). Collection method: clinical testing. Allele origin: germline.
Comment: This sequence change replaces valine, which is neutral and non-polar, with isoleucine, which is neutral and non-polar, at codon 834 of the PKD2 protein (p.Val834Ile). This variant is present in population databases (rs148869484, gnomAD 0.008%). This variant has not been reported in the literature in individuals affected with PKD2-related conditions. ClinVar contains an entry for this variant (Variation ID: 2580682). Invitae Evidence Modeling of protein sequence and biophysical properties (such as structural, functional, and spatial information, amino acid conservation, physicochemical variation, residue mobility, and thermodynamic stability) indicates that this missense variant is not expected to disrupt PKD2 protein function with a negative predictive value of 80%. In summary, the available evidence is currently insufficient to determine the role of this variant in disease. Therefore, it has been classified as a Variant of Uncertain Significance.

Fulgent Genetics
Classification: Uncertain significance for Polycystic kidney disease 2. Last evaluated: 2024-04-22. Review status: criteria provided, single submitter. Criteria: ACMG Guidelines, 2015. Collection method: clinical testing. Allele origin: germline.

GeneDx
Classification: Uncertain significance. Last evaluated: 2023-03-24. Review status: criteria provided, single submitter. Criteria: GeneDx Variant Classification Process June 2021. Collection method: clinical testing. Allele origin: germline. Affected: yes.
Comment: In silico analysis supports that this missense variant does not alter protein structure/function; Has not been previously published as pathogenic or benign to our knowledge